The following is an entry in ClinVar:

NM_001478.5(B4GALNT1):c.509C>T (p.Ala170Val)

Gene: B4GALNT1 (beta-1,4-N-acetyl-galactosaminyltransferase 1; minus strand). Cytogenetic location: 12q13.3.
Variant type: single nucleotide variant.
Coding change: c.509C>T on transcript NM_001478.5 (MANE Select); coding-DNA position 509, C replaced by T.
Protein change: p.Ala170Val; replaces alanine 170 with valine.
Molecular consequence: missense variant.
Genome position (GRCh38, 1-based): chr12:57,630,500, G>A on the plus strand (C>T on the coding strand, the complement: B4GALNT1 is on the minus strand). VCF-style: chr12-57630500-G-A. GRCh37 (hg19) VCF-style: chr12-58024283-G-A.
Other names: c.344C>T, p.Ala115Val (NM_001276468.2); c.509C>T, p.Ala170Val (NM_001276469.2); short protein forms A170V, A115V.
Identifiers: ClinVar variation 429501 (VCV000429501.2), dbSNP rs1131691417, ClinGen allele CA385500148.

ClinVar aggregate classification (germline): Uncertain significance (1 of 4 stars; one submission).

Allele frequency attached by ClinVar (database versions not stated): gnomAD exomes below 0.00001.
gnomAD v4.1: 6 of 1,609,210 alleles (0.00037%); highest among the groups gnomAD compares: East Asian, 0.0022%; no homozygotes.

Submission:

GeneDx
Classification: Uncertain significance. Last evaluated: 2017-05-10. Review status: criteria provided, single submitter. Criteria: GeneDx Variant Classification (06012015). Collection method: clinical testing. Allele origin: germline. Affected: yes.
Comment: A variant of uncertain significance has been identified in the B4GALNT1 gene. The A170V variant has not been published as a pathogenic variant, nor has it been reported as a benign variant to our knowledge. The A170V variant is not observed in large population cohorts (Lek et al., 2016; 1000 Genomes Consortium et al., 2015; Exome Variant Server). The A170V variant is a conservative amino acid substitution, which is not likely to impact secondary protein structure as these residues share similar properties. This substitution occurs at a position that is not conserved. However, in silico analysis is inconsistent in its predictions as to whether or not the variant is damaging to the protein structure/function. Therefore, based on the currently available information, it is unclear whether this variant is a pathogenic variant or a rare benign variant.